The following is an entry in ClinVar:

Single allele

Gene: DMD (dystrophin; minus strand). Cytogenetic location: Xp21.1.
Variant type: Deletion.
Identifiers: ClinVar variation 3571964 (VCV003571964.1).

ClinVar aggregate classification (germline): Pathogenic (1 of 4 stars; one submission).

Submission:

Athena Diagnostics
Classification: Pathogenic. Last evaluated: 2023-12-06. Review status: criteria provided, single submitter. Criteria: Athena Diagnostics Criteria. Collection method: clinical testing. Allele origin: unknown.
Comment: This variant is expected to result in the loss of a functional protein. Similar deletions of exons 45 to 54 have been identified in multiple individuals with DMD. At least one BMD case has also been reported (PMID: 34297739). A similar deletion of exons 45 to 54 has not been reported in large, multi-ethnic general populations.

Literature cited by the submitters: PubMed 11388892; PubMed 11412872; PubMed 9800909; PubMed 11257468; PubMed 15723292; PubMed 22090376; PubMed 26911353; PubMed 19937601; PubMed 33644936; PubMed 31705731; PubMed 34297739; PubMed 19367636; PubMed 31443951.